The following is an entry in ClinVar:

ClinVar aggregate classification (germline): Uncertain significance. Review status: criteria provided, multiple submitters, no conflicts (2 of 4 stars). 2 submissions from 2 submitters: Uncertain significance (2). Last evaluated 2017-06-07.

Conditions:
Long QT syndrome 2 (LQT2). Identifiers: Orphanet 101016, Orphanet 768, MedGen C3150943, MONDO:0013367, OMIM 613688.
Short QT syndrome type 1. Identifiers: Orphanet 51083, MedGen C1865020, MONDO:0012312, OMIM 609620.
Long QT syndrome (LQTS). Identifiers: MedGen C0023976, MeSH D008133, MONDO:0002442. Disease mechanism: loss of function. Inheritance: Various modes of inheritance.

Submissions (2):

Labcorp Genetics (formerly Invitae), Labcorp
Classification: Uncertain significance for Long QT syndrome. Last evaluated: 2017-06-07. Review status: criteria provided, single submitter. Criteria: Invitae Variant Classification Sherloc (09022015). Collection method: clinical testing. Allele origin: germline.
Comment: In summary, this variant has uncertain impact on KCNH2 function. The available evidence is currently insufficient to determine its role in disease. Therefore, it has been classified as a Variant of Uncertain Significance. Algorithms developed to predict the effect of missense changes on protein structure and function (SIFT, PolyPhen-2, Align-GVGD) all suggest that this variant is likely to be tolerated, but these predictions have not been confirmed by published functional studies and their clinical significance is uncertain. This variant has not been reported in the literature in individuals with a KCNH2-related disease. This variant is not present in population databases (ExAC no frequency). This sequence change replaces alanine with valine at codon 442 of the KCNH2 protein (p.Ala442Val). The alanine residue is weakly conserved and there is a small physicochemical difference between alanine and valine.

Center for Genomics, Ann and Robert H. Lurie Children's Hospital of Chicago
Classification: Uncertain significance for Short QT syndrome type 1; Long QT syndrome 2. Review status: criteria provided, single submitter. Criteria: ACMG Guidelines, 2015. Collection method: clinical testing. Allele origin: germline.
Comment: KCNH2 NM_000238.3 exon 6 p.Ala442Val (c.1325C>T): This variant has not been reported in the literature and is not present in large control databases. This variant is present in ClinVar (Variation ID:456885). Evolutionary conservation and computational predictive tools suggest that this variant may not impact the protein. In summary, data on this variant is insufficient for disease classification. Therefore, the clinical significance of this variant is uncertain

NM_000238.4(KCNH2):c.1325C>T (p.Ala442Val)

Gene: KCNH2 (potassium voltage-gated channel subfamily H member 2; minus strand). Cytogenetic location: 7q36.1.
Variant type: single nucleotide variant.
Coding change: c.1325C>T on transcript NM_000238.4 (MANE Select); coding-DNA position 1325, C replaced by T.
Protein change: p.Ala442Val; replaces alanine 442 with valine.
Molecular consequence: missense variant.
Genome position (GRCh38, 1-based): chr7:150,952,657, G>A on the plus strand (C>T on the coding strand, the complement: KCNH2 is on the minus strand). VCF-style: chr7-150952657-G-A. GRCh37 (hg19) VCF-style: chr7-150649745-G-A.
Other names: c.305C>T, p.Ala102Val (NM_001204798.2, NM_172057.3); c.1037C>T, p.Ala346Val (NM_001406753.1, NM_001406756.1); c.1148C>T, p.Ala383Val (NM_001406755.1); c.1025C>T, p.Ala342Val (NM_001406757.1); c.1325C>T, p.Ala442Val (NM_172056.3); short protein forms A442V, A102V, A342V, A383V, A346V.
Identifiers: ClinVar variation 456885 (VCV000456885.12), dbSNP rs1554426225, ClinGen allele CA369859986.
Genomic context (GRCh38, chr7:150,952,657, plus strand): 5'-ATGATGTCCACGATGAGGTCCACCACAGCCAGCGGCTGGCAGGCGTAGCCACACTCGGTA[G>A]CAGGCGGGCCTTCTTCCGTCTCCTTCAGCAGGAAGGCAGCCGAGTAGGGTGTGAAGACAG-3'
Protein context (NP_000229.1, residues 432-452): LLKETEEGPP[Ala442Val]TECGYACQPL